The following is an entry in ClinVar:

ClinVar aggregate classification (germline): Uncertain significance (1 of 4 stars; one submission).

Conditions:
Epilepsy. Also called: Seizure disorder. Identifiers: MedGen C0014544, MeSH D004827, MONDO:0005027.

Allele frequency attached by ClinVar (database versions not stated): ExAC 0.00002; gnomAD exomes 0.00002 and 0.00005; gnomAD 0.00003 and 0.00004; TOPMed 0.00003; ESP Exome Variant Server 0.00008.
gnomAD v4.1: 78 of 1,610,164 alleles (0.0048%); highest among the groups gnomAD compares: Non-Finnish European, 0.0059%; no homozygotes.

Submission:

Labcorp Genetics (formerly Invitae), Labcorp
Classification: Uncertain significance for Epilepsy. Last evaluated: 2021-08-27. Review status: criteria provided, single submitter. Criteria: Invitae Variant Classification Sherloc (09022015). Collection method: clinical testing. Allele origin: germline.
Comment: This sequence change replaces arginine with tryptophan at codon 502 of the PIGQ protein (p.Arg502Trp). The arginine residue is highly conserved and there is a moderate physicochemical difference between arginine and tryptophan. This variant is present in population databases (rs377161206, ExAC 0.003%). This variant has not been reported in the literature in individuals affected with PIGQ-related conditions. Algorithms developed to predict the effect of missense changes on protein structure and function (SIFT, PolyPhen-2, Align-GVGD) all suggest that this variant is likely to be disruptive. In summary, the available evidence is currently insufficient to determine the role of this variant in disease. Therefore, it has been classified as a Variant of Uncertain Significance.

NM_004204.5(PIGQ):c.1504C>T (p.Arg502Trp)

Gene: PIGQ (phosphatidylinositol glycan anchor biosynthesis class Q; plus strand). Cytogenetic location: 16p13.3.
Variant type: single nucleotide variant.
Coding change: c.1504C>T on transcript NM_004204.5 (MANE Select); coding-DNA position 1504, C replaced by T.
Protein change: p.Arg502Trp; replaces arginine 502 with tryptophan.
Molecular consequence: missense variant.
Genome position (GRCh38, 1-based): chr16:580,945, C>T. VCF-style: chr16-580945-C-T. GRCh37 (hg19) VCF-style: chr16-630945-C-T.
Other names: c.1504C>T, p.Arg502Trp (NM_148920.4); short protein forms R502W.
Identifiers: ClinVar variation 645597 (VCV000645597.8), dbSNP rs377161206, ClinGen allele CA7780321.